The following is an entry in ClinVar:

ClinVar aggregate classification (germline): Uncertain significance. Review status: criteria provided, multiple submitters, no conflicts (2 of 4 stars). 6 submissions from 6 submitters: Uncertain significance (6). Last evaluated 2024-12-13.

Conditions:
Hereditary cancer-predisposing syndrome. Also called: Tumor predisposition; Hereditary Cancer Syndrome; Hereditary neoplastic syndrome; Neoplastic Syndromes, Hereditary. Identifiers: Orphanet 140162, MedGen C0027672, MeSH D009386, MONDO:0015356.
Familial adenomatous polyposis 2. Also called: COLORECTAL ADENOMATOUS POLYPOSIS, AUTOSOMAL RECESSIVE; MUTYH Polyposis; MUTYH-associated polyposis; MUTYH-related attenuated familial adenomatous polyposis; Adenomas, multiple colorectal; ADENOMAS, MULTIPLE COLORECTAL, AUTOSOMAL RECESSIVE. Identifiers: Orphanet 220460, Orphanet 247798, MedGen C3272841, MONDO:0012041, OMIM 608456.

Allele frequency attached by ClinVar (database versions not stated): gnomAD exomes below 0.00001 and 0.00001; TOPMed below 0.00001; gnomAD 0.00001; ExAC 0.00002.

Submissions (6):

Ambry Genetics
Classification: Uncertain significance for Hereditary cancer-predisposing syndrome. Last evaluated: 2024-12-13. Review status: criteria provided, single submitter. Criteria: Ambry Variant Classification Scheme 2023. Collection method: clinical testing. Allele origin: germline.
Comment: The p.R247Q variant (also known as c.740G>A), located in coding exon 9 of the MUTYH gene, results from a G to A substitution at nucleotide position 740. The arginine at codon 247 is replaced by glutamine, an amino acid with highly similar properties. This alteration was identified once in a cohort of 405 patients with at least 10 colonic polyps (Guarinos C et al. Clin. Cancer Res., 2014 Mar;20:1158-68), and in a cohort of 31 Japanese patients with suspected hereditary polyposis (Takao M et al. Int J Clin Oncol, 2018 Jun;23:497-503). This amino acid position is highly conserved in available vertebrate species. In addition, the in silico prediction for this alteration is inconclusive. Based on the available evidence, the clinical significance of this variant remains unclear.

All of Us Research Program, National Institutes of Health
Classification: Uncertain significance for Familial adenomatous polyposis 2. Last evaluated: 2024-02-05. Review status: criteria provided, single submitter. Criteria: ACMG Guidelines, 2015. Collection method: clinical testing. Allele origin: germline. Inheritance: Autosomal recessive inheritance. Observed: 3 variant alleles, 3 heterozygotes.
Comment: This missense variant replaces arginine with glutamine at codon 247 of the MUTYH protein. Computational prediction is inconclusive regarding the impact of this variant on protein structure and function (internally defined REVEL score threshold 0.5 < inconclusive < 0.7, PMID: 27666373). To our knowledge, functional studies have not been reported for this variant. This variant has been reported biallelic and heterozygouls in individuals affected with MUTYH-associated polyposis, but phase and/or second mutation was not determined (PMID: 24470512, 29330641). This variant has been identified in 2/250424 chromosomes in the general population by the Genome Aggregation Database (gnomAD). The available evidence is insufficient to determine the role of this variant in disease conclusively. Therefore, this variant is classified as a Variant of Uncertain Significance.

This study involves interpretation of variants in research participants for the purpose of population health screening. Participant phenotype was not available at the time of variant classification. Additional details can be found in publication PMID: 35346344, PMCID: PMC8962531

Color Diagnostics, LLC DBA Color Health
Classification: Uncertain significance for Hereditary cancer-predisposing syndrome. Last evaluated: 2023-10-03. Review status: criteria provided, single submitter. Criteria: ACMG Guidelines, 2015. Collection method: clinical testing. Allele origin: germline.
Comment: This missense variant replaces arginine with glutamine at codon 247 of the MUTYH protein. Computational prediction is inconclusive regarding the impact of this variant on protein structure and function (internally defined REVEL score threshold 0.5 < inconclusive < 0.7, PMID: 27666373). To our knowledge, functional studies have not been reported for this variant. This variant has been reported biallelic and heterozygouls in individuals affected with MUTYH-associated polyposis, but phase and/or second mutation was not determined (PMID: 24470512, 29330641). This variant has been identified in 2/250424 chromosomes in the general population by the Genome Aggregation Database (gnomAD). The available evidence is insufficient to determine the role of this variant in disease conclusively. Therefore, this variant is classified as a Variant of Uncertain Significance.

Labcorp Genetics (formerly Invitae), Labcorp
Classification: Uncertain significance for Familial adenomatous polyposis 2. Last evaluated: 2023-06-14. Review status: criteria provided, single submitter. Criteria: Invitae Variant Classification Sherloc (09022015). Collection method: clinical testing. Allele origin: germline.
Comment: This sequence change replaces arginine, which is basic and polar, with glutamine, which is neutral and polar, at codon 247 of the MUTYH protein (p.Arg247Gln). This variant is present in population databases (rs777335285, gnomAD 0.006%). In summary, the available evidence is currently insufficient to determine the role of this variant in disease. Therefore, it has been classified as a Variant of Uncertain Significance. This variant disrupts the p.Arg247 amino acid residue in MUTYH. Other variant(s) that disrupt this residue have been observed in individuals with MUTYH-related conditions (PMID: 31285513), which suggests that this may be a clinically significant amino acid residue. An algorithm developed to predict the effect of missense changes on protein structure and function (PolyPhen-2) suggests that this variant¬†is likely to be tolerated. ClinVar contains an entry for this variant (Variation ID: 406828). This missense change has been observed in individual(s) with colonic polyps (PMID: 24470512; Invitae). In at least one individual the data is consistent with being in trans (on the opposite chromosome) from a pathogenic variant.

Baylor Genetics
Classification: Uncertain significance for Familial adenomatous polyposis 2. Last evaluated: 2023-01-23. Review status: criteria provided, single submitter. Criteria: ACMG Guidelines, 2015. Collection method: clinical testing. Allele origin: unknown.

Quest Diagnostics Nichols Institute San Juan Capistrano
Classification: Uncertain significance. Last evaluated: 2019-04-24. Review status: criteria provided, single submitter. Criteria: Quest Diagnostics criteria. Collection method: clinical testing. Allele origin: germline.

Literature cited by the submitters: PubMed 24470512 (cited by 5 submitters); PubMed 29330641 (cited by 3 submitters); PubMed 32830346 (cited by Ambry Genetics); PubMed 31285513 (cited by Labcorp Genetics (formerly Invitae), Labcorp).

NM_001048174.2(MUTYH):c.656G>A (p.Arg219Gln)

Gene: MUTYH (mutY DNA glycosylase; minus strand). Cytogenetic location: 1p34.1.
Variant type: single nucleotide variant.
Coding change: c.656G>A on transcript NM_001048174.2 (MANE Select); coding-DNA position 656, G replaced by A.
Protein change: p.Arg219Gln; replaces arginine 219 with glutamine.
Molecular consequence: missense variant. On other transcripts: non-coding transcript variant (2).
Genome position (GRCh38, 1-based): chr1:45,332,439, C>T on the plus strand (G>A on the coding strand, the complement: MUTYH is on the minus strand). VCF-style: chr1-45332439-C-T. GRCh37 (hg19) VCF-style: chr1-45798111-C-T.
Other names: c.656G>A, p.Arg219Gln (NM_001048171.2, NM_001048173.2, NM_001293195.2); c.659G>A, p.Arg220Gln (NM_001048172.2); c.740G>A, p.Arg247Gln (NM_001128425.2); c.701G>A, p.Arg234Gln (NM_001293190.2); c.689G>A, p.Arg230Gln (NM_001293191.2); c.380G>A, p.Arg127Gln (NM_001293192.2, NM_001293196.2); c.311G>A, p.Arg104Gln (NM_001350650.2, NM_001350651.2); c.731G>A, p.Arg244Gln (NM_012222.3); short protein forms R247Q, R219Q, R244Q, R127Q, R230Q, R234Q, R104Q, R220Q.
Identifiers: ClinVar variation 406828 (VCV000406828.24), dbSNP rs777335285, ClinGen allele CA058944.